The following is an entry in ClinVar:

NM_144991.3(TSPEAR):c.1160C>A (p.Ala387Glu)

Gene: TSPEAR (thrombospondin type laminin G domain and EAR repeats; minus strand). Cytogenetic location: 21q22.3.
Variant type: single nucleotide variant.
Coding change: c.1160C>A on transcript NM_144991.3 (MANE Select); coding-DNA position 1160, C replaced by A.
Protein change: p.Ala387Glu; replaces alanine 387 with glutamic acid.
Molecular consequence: missense variant.
Genome position (GRCh38, 1-based): chr21:44,525,829, G>T on the plus strand (C>A on the coding strand, the complement: TSPEAR is on the minus strand). VCF-style: chr21-44525829-G-T. GRCh37 (hg19) VCF-style: chr21-45945712-G-T.
Other names: c.956C>A, p.Ala319Glu (NM_001272037.2); short protein forms A319E, A387E.
Identifiers: ClinVar variation 1198276 (VCV001198276.4), dbSNP rs782571753, ClinGen allele CA10056678.

ClinVar aggregate classification (germline): Conflicting classifications of pathogenicity. Review status: criteria provided, conflicting classifications (1 of 4 stars). 2 submissions from 2 submitters: Likely pathogenic (1); Uncertain significance (1). Last evaluated 2024-09-03.

Allele frequency attached by ClinVar (database versions not stated): gnomAD exomes below 0.00001 and 0.00001; gnomAD 0.00001; TOPMed 0.00001; ExAC 0.00002.
gnomAD v4.1: 3 of 1,613,970 alleles (0.00019%); highest among the groups gnomAD compares: African/African-American, 0.0013%; no homozygotes.

Submissions (2):

Labcorp Genetics (formerly Invitae), Labcorp
Classification: Uncertain significance. Last evaluated: 2024-09-03. Review status: criteria provided, single submitter. Criteria: Invitae Variant Classification Sherloc (09022015). Collection method: clinical testing. Allele origin: germline.
Comment: This sequence change replaces alanine, which is neutral and non-polar, with glutamic acid, which is acidic and polar, at codon 387 of the TSPEAR protein (p.Ala387Glu). This variant is present in population databases (rs782571753, gnomAD 0.002%). This missense change has been observed in individual(s) with clinical features of ectodermal dysplasia (internal data). In at least one individual the data is consistent with being in trans (on the opposite chromosome) from a pathogenic variant. ClinVar contains an entry for this variant (Variation ID: 1198276). Invitae Evidence Modeling of protein sequence and biophysical properties (such as structural, functional, and spatial information, amino acid conservation, physicochemical variation, residue mobility, and thermodynamic stability) indicates that this missense variant is not expected to disrupt TSPEAR protein function with a negative predictive value of 80%. In summary, the available evidence is currently insufficient to determine the role of this variant in disease. Therefore, it has been classified as a Variant of Uncertain Significance.

GeneDx
Classification: Likely pathogenic. Last evaluated: 2021-04-05. Review status: criteria provided, single submitter. Criteria: GeneDx Variant Classification Process June 2021. Collection method: clinical testing. Allele origin: germline. Affected: yes.
Comment: In silico analysis supports that this missense variant has a deleterious effect on protein structure/function; Not observed at a significant frequency in large population cohorts (Lek et al., 2016); Has not been previously published as pathogenic or benign to our knowledge